The following is an entry in ClinVar:

ClinVar aggregate classification (germline): Pathogenic/Likely pathogenic. Review status: criteria provided, multiple submitters, no conflicts (2 of 4 stars). 3 submissions from 3 submitters: Pathogenic (1); Likely pathogenic (2). Last evaluated 2026-08-14.

Conditions:
TUB-related disorder. Also called: TUB-related condition.

Allele frequency attached by ClinVar (database versions not stated): TOPMed below 0.00001.
gnomAD v4.1: 1 of 1,608,736 alleles (0.000062%); highest among the groups gnomAD compares: Admixed American, 0.0017%; no homozygotes.

Submissions (3):

PreventionGenetics, part of Exact Sciences
Classification: Likely pathogenic for TUB-related condition. Last evaluated: 2026-08-14. Review status: criteria provided, single submitter. Criteria: ACMG Guidelines, 2015. Collection method: clinical testing. Allele origin: germline.
Comment: The TUB c.1281+1G>T variant is predicted to disrupt the GT donor site and interfere with normal splicing. To our knowledge, this variant has not been reported in the literature in individuals with TUB-related disorders. This variant is reported in 0.0065% of alleles in individuals of European (Non-Finnish) descent in gnomAD. An alternate variant at this same position (c.1281+1G>A) was reported in the homozygous state in 5 related individuals with severe myopia and intellectual disability (Table S2 in Hu et al 2018. PubMed ID: 29302074). Variants that disrupt the consensus splice acceptor site in TUB are expected to be pathogenic. This variant is interpreted as likely pathogenic.

Labcorp Genetics (formerly Invitae), Labcorp
Classification: Pathogenic. Last evaluated: 2025-09-03. Review status: criteria provided, single submitter. Criteria: Invitae Variant Classification Sherloc (09022015). Collection method: clinical testing. Allele origin: germline.
Comment: This sequence change affects a donor splice site in intron 10 of the TUB gene. It is expected to disrupt RNA splicing. Variants that disrupt the donor or acceptor splice site typically lead to a loss of protein function (PMID: 16199547), and loss-of-function variants in TUB are known to be pathogenic (PMID: 24375934). This variant is present in population databases (no rsID available, gnomAD 0.007%). Disruption of this splice site has been observed in individual(s) with hereditary retinal dystrophy (internal data). In at least one individual the data is consistent with being in trans (on the opposite chromosome) from a pathogenic variant. It has also been observed to segregate with disease in related individuals. ClinVar contains an entry for this variant (Variation ID: 1357363). Algorithms developed to predict the effect of sequence changes on RNA splicing suggest that this variant may disrupt the consensus splice site. For these reasons, this variant has been classified as Pathogenic.

Blueprint Genetics
Classification: Likely pathogenic for TUB-related disorders. Last evaluated: 2021-07-21. Review status: criteria provided, single submitter. Criteria: ACMG Guidelines, 2015. Collection method: clinical testing. Allele origin: germline. Affected: yes. Observed: 1 variant allele.

Literature cited by the submitters: PubMed 16199547 (cited by Labcorp Genetics (formerly Invitae), Labcorp); PubMed 24375934 (cited by Labcorp Genetics (formerly Invitae), Labcorp).

NM_177972.3(TUB):c.1116+1G>T

Genes: RIC3 (RIC3 acetylcholine receptor chaperone; minus strand), TUB (TUB bipartite transcription factor; plus strand). Cytogenetic location: 11p15.4.
Variant type: single nucleotide variant.
Coding change: c.1116+1G>T on transcript NM_177972.3 (MANE Select); the canonical splice donor site of the intron after coding-DNA position 1116, G replaced by T.
Molecular consequence: splice donor variant.
Genome position (GRCh38, 1-based): chr11:8,098,876, G>T. VCF-style: chr11-8098876-G-T. GRCh37 (hg19) VCF-style: chr11-8120423-G-T.
Other names: c.1281+1G>T (NM_003320.5, NM_003320.4).
Identifiers: ClinVar variation 1357363 (VCV001357363.8), dbSNP rs1032858847, ClinGen allele CA217423725.